The following is an entry in ClinVar:

ClinVar aggregate classification (germline): Conflicting classifications of pathogenicity. Review status: criteria provided, conflicting classifications (1 of 4 stars). 3 submissions from 3 submitters: Uncertain significance (2); Likely benign (1). Last evaluated 2026-08-28.

Conditions:
Hereditary cancer-predisposing syndrome. Also called: Tumor predisposition; Hereditary Cancer Syndrome; Hereditary neoplastic syndrome; Neoplastic Syndromes, Hereditary. Identifiers: Orphanet 140162, MedGen C0027672, MeSH D009386, MONDO:0015356.
Peutz-Jeghers syndrome (PJS). Also called: POLYPOSIS, HAMARTOMATOUS INTESTINAL; POLYPS-AND-SPOTS SYNDROME; Peutz-Jeghers polyposis; Periorificial lentiginosis syndrome. Identifiers: Orphanet 2869, MedGen C0031269, MeSH D010580, MONDO:0008280, OMIM 175200.

Submissions (3):

Ambry Genetics
Classification: Likely benign for Hereditary cancer-predisposing syndrome. Last evaluated: 2026-08-28. Review status: criteria provided, single submitter. Criteria: Ambry Variant Classification Scheme 2023. Collection method: clinical testing. Allele origin: germline.

Color Diagnostics, LLC DBA Color Health
Classification: Uncertain significance for Hereditary cancer-predisposing syndrome. Last evaluated: 2024-03-06. Review status: criteria provided, single submitter. Criteria: ACMG Guidelines, 2015. Collection method: clinical testing. Allele origin: germline.
Comment: This missense variant replaces lysine with glutamic acid at codon 287 of the STK11 protein. Computational prediction suggests that this variant may not impact protein structure and function (internally defined REVEL score threshold <= 0.5, PMID: 27666373). To our knowledge, functional studies have not been reported for this variant. This variant has not been reported in individuals affected with hereditary cancer in the literature. This variant has not been identified in the general population by the Genome Aggregation Database (gnomAD). The available evidence is insufficient to determine the role of this variant in disease conclusively. Therefore, this variant is classified as a Variant of Uncertain Significance.

Labcorp Genetics (formerly Invitae), Labcorp
Classification: Uncertain significance for Peutz-Jeghers syndrome. Last evaluated: 2022-03-14. Review status: criteria provided, single submitter. Criteria: Invitae Variant Classification Sherloc (09022015). Collection method: clinical testing. Allele origin: germline.
Comment: This variant has not been reported in the literature in individuals affected with STK11-related conditions. In summary, the available evidence is currently insufficient to determine the role of this variant in disease. Therefore, it has been classified as a Variant of Uncertain Significance. Advanced modeling of protein sequence and biophysical properties (such as structural, functional, and spatial information, amino acid conservation, physicochemical variation, residue mobility, and thermodynamic stability) performed at Invitae indicates that this missense variant is not expected to disrupt STK11 protein function. This variant is not present in population databases (gnomAD no frequency). This sequence change replaces lysine, which is basic and polar, with glutamic acid, which is acidic and polar, at codon 287 of the STK11 protein (p.Lys287Glu).

NM_000455.5(STK11):c.859A>G (p.Lys287Glu)

Gene: STK11 (serine/threonine kinase 11; plus strand). Cytogenetic location: 19p13.3.
Variant type: single nucleotide variant.
Coding change: c.859A>G on transcript NM_000455.5 (MANE Select); coding-DNA position 859, A replaced by G.
Protein change: p.Lys287Glu; replaces lysine 287 with glutamic acid.
Molecular consequence: missense variant.
Genome position (GRCh38, 1-based): chr19:1,221,337, A>G. VCF-style: chr19-1221337-A-G. GRCh37 (hg19) VCF-style: chr19-1221336-A-G.
Other names: c.859A>G, p.Lys287Glu (NM_001407255.1); short protein forms K287E.
Identifiers: ClinVar variation 2059818 (VCV002059818.9), dbSNP rs2145427287, ClinGen allele CA402950767.